The following is an entry in ClinVar:

ClinVar aggregate classification (germline): Likely pathogenic (1 of 4 stars; one submission).

Conditions:
Juvenile polyposis syndrome (JPS). Identifiers: Orphanet 2929, MedGen C0345893, MONDO:0017380, OMIM 174900.

Submission:

Labcorp Genetics (formerly Invitae), Labcorp
Classification: Likely pathogenic for Juvenile polyposis syndrome. Last evaluated: 2015-12-28. Review status: criteria provided, single submitter. Criteria: Invitae Variant Classification Sherloc (09022015). Collection method: clinical testing. Allele origin: germline.
Comment: This sequence change affects a donor splice site in intron 8. It is expected to disrupt mRNA splicing and likely results in an absent or disrupted protein product. For these reasons, this variant has been classified as Likely Pathogenic. While this particular variant has not been reported in the literature, truncating variants in BMPR1A are known to be pathogenic (PMID: 11536076, 12417513).

Literature cited by the submitters: PubMed 11536076; PubMed 12417513.

NM_004329.3(BMPR1A):c.675+1G>C

Gene: BMPR1A (bone morphogenetic protein receptor type 1A; plus strand). Cytogenetic location: 10q23.2.
Variant type: single nucleotide variant.
Coding change: c.675+1G>C on transcript NM_004329.3 (MANE Select); the canonical splice donor site of the intron after coding-DNA position 675, G replaced by C.
Molecular consequence: splice donor variant. On other transcripts: intron variant (1).
Genome position (GRCh38, 1-based): chr10:86,912,385, G>C. VCF-style: chr10-86912385-G-C. GRCh37 (hg19) VCF-style: chr10-88672142-G-C.
Other names: c.675+1G>C (NM_001406562.1, NM_001406568.1, NM_001406567.1 and 20 more transcripts); c.591+1G>C (NM_001406584.1, NM_001406588.1, NM_001406587.1 and 2 more transcripts); c.723+1G>C (NM_001406560.1); c.750+1G>C (NM_001406559.1); c.334-4749G>C (NM_001406589.1).
Identifiers: ClinVar variation 239866 (VCV000239866.8), dbSNP rs878854672, ClinGen allele CA10582746.